The following is an entry in ClinVar:

ClinVar aggregate classification (germline): Uncertain significance. Review status: criteria provided, multiple submitters, no conflicts (2 of 4 stars). 4 submissions from 4 submitters: Uncertain significance (4). Last evaluated 2026-08-27.

Conditions:
NPHP4-related disorder. Also called: NPHP4-related disorders; NPHP4-related condition. Identifiers: MedGen CN239384.
Inborn genetic diseases. Identifiers: MedGen C0950123, MeSH D030342.
Nephronophthisis. Also called: Juvenile Nephronophthisis. Identifiers: Orphanet 655, MedGen C0687120, MONDO:0019005, HP:0000090.

Allele frequency attached by ClinVar (database versions not stated): gnomAD 0.00001 and 0.00002; gnomAD exomes 0.00002 and 0.00004; TOPMed 0.00003; ExAC 0.00007.
gnomAD v4.1: 52 of 1,611,346 alleles (0.0032%); highest among the groups gnomAD compares: Non-Finnish European, 0.0037%; no homozygotes.

Submissions (4):

PreventionGenetics, part of Exact Sciences
Classification: Uncertain significance for NPHP4-related condition. Last evaluated: 2026-08-27. Review status: criteria provided, single submitter. Criteria: ACMG Guidelines, 2015. Collection method: clinical testing. Allele origin: germline.
Comment: The NPHP4 c.3721G>A variant is predicted to result in the amino acid substitution p.Val1241Ile. To our knowledge, this variant has not been reported in the literature. This variant is reported in 0.0051% of alleles in individuals of East Asian descent in gnomAD. At this time, the clinical significance of this variant is uncertain due to the absence of conclusive functional and genetic evidence.

Ambry Genetics
Classification: Uncertain significance for Inborn genetic diseases. Last evaluated: 2025-03-22. Review status: criteria provided, single submitter. Criteria: Ambry Variant Classification Scheme 2023. Collection method: clinical testing. Allele origin: germline.

Blueprint Genetics
Classification: Uncertain significance. Last evaluated: 2024-11-01. Review status: criteria provided, single submitter. Criteria: ACMG Guidelines, 2015. Collection method: clinical testing. Allele origin: germline.

Labcorp Genetics (formerly Invitae), Labcorp
Classification: Uncertain significance for Nephronophthisis. Last evaluated: 2022-05-15. Review status: criteria provided, single submitter. Criteria: Invitae Variant Classification Sherloc (09022015). Collection method: clinical testing. Allele origin: germline.
Comment: This sequence change replaces valine, which is neutral and non-polar, with isoleucine, which is neutral and non-polar, at codon 1241 of the NPHP4 protein (p.Val1241Ile). This variant is present in population databases (rs535789951, gnomAD 0.005%). This variant has not been reported in the literature in individuals affected with NPHP4-related conditions. ClinVar contains an entry for this variant (Variation ID: 955373). Algorithms developed to predict the effect of missense changes on protein structure and function output the following: SIFT: "Tolerated"; PolyPhen-2: "Benign"; Align-GVGD: "Class C0". The isoleucine amino acid residue is found in multiple mammalian species, which suggests that this missense change does not adversely affect protein function. In summary, the available evidence is currently insufficient to determine the role of this variant in disease. Therefore, it has been classified as a Variant of Uncertain Significance.

NM_015102.5(NPHP4):c.3721G>A (p.Val1241Ile)

Gene: NPHP4 (nephrocystin 4; minus strand). Cytogenetic location: 1p36.31.
Variant type: single nucleotide variant.
Coding change: c.3721G>A on transcript NM_015102.5 (MANE Select); coding-DNA position 3721, G replaced by A.
Protein change: p.Val1241Ile; replaces valine 1241 with isoleucine.
Molecular consequence: missense variant. On other transcripts: non-coding transcript variant (1).
Genome position (GRCh38, 1-based): chr1:5,865,197, C>T on the plus strand (G>A on the coding strand, the complement: NPHP4 is on the minus strand). VCF-style: chr1-5865197-C-T. GRCh37 (hg19) VCF-style: chr1-5925257-C-T.
Other names: c.2182G>A, p.Val728Ile (NM_001291593.2); c.2185G>A, p.Val729Ile (NM_001291594.2); c.3721G>A (NM_015102.3); short protein forms V1241I, V729I, V728I.
Identifiers: ClinVar variation 955373 (VCV000955373.9), dbSNP rs535789951, ClinGen allele CA553490.